The following is an entry in ClinVar:

ClinVar aggregate classification (germline): Uncertain significance (1 of 4 stars; one submission).

Conditions:
TTN-related disorder. Also called: TTN-related condition; TTN-related disease; TTN-related disorders.

Allele frequency attached by ClinVar (database versions not stated): ExAC 0.00001.
gnomAD v4.1: 1 of 1,614,030 alleles (0.000062%); highest among the groups gnomAD compares: Non-Finnish European, 0.000085%; no homozygotes.

Submission:

PreventionGenetics, part of Exact Sciences
Classification: Uncertain significance for TTN-related condition. Last evaluated: 2022-10-03. Review status: criteria provided, single submitter. Criteria: ACMG Guidelines, 2015. Collection method: clinical testing. Allele origin: germline.
Comment: The TTN c.8320G>C variant is predicted to result in the amino acid substitution p.Glu2774Gln. To our knowledge, this variant has not been reported in the literature. This variant is reported in 0.00088% of alleles in individuals of European (Non-Finnish) descent in gnomAD. At this time, the clinical significance of this variant is uncertain due to the absence of conclusive functional and genetic evidence.

NM_001267550.2(TTN):c.8320G>C (p.Glu2774Gln)

Gene: TTN (titin; minus strand). Cytogenetic location: 2q31.2.
Variant type: single nucleotide variant.
Coding change: c.8320G>C on transcript NM_001267550.2 (MANE Select); coding-DNA position 8320, G replaced by C.
Protein change: p.Glu2774Gln; replaces glutamic acid 2774 with glutamine.
Molecular consequence: missense variant.
Genome position (GRCh38, 1-based): chr2:178,770,472, C>G on the plus strand (G>C on the coding strand, the complement: TTN is on the minus strand). VCF-style: chr2-178770472-C-G. GRCh37 (hg19) VCF-style: chr2-179635199-C-G.
Other names: c.8320G>C, p.Glu2774Gln (NM_001256850.1, NM_133378.4, NM_133379.5); c.8182G>C, p.Glu2728Gln (NM_003319.4, NM_133432.3, NM_133437.4); short protein forms E2774Q, E2728Q.
Identifiers: ClinVar variation 2631955 (VCV002631955.1), dbSNP rs763666119, ClinGen allele CA2004615.